The following is an entry in ClinVar:

NM_005546.4(ITK):c.1829G>A (p.Arg610His)

Gene: ITK (IL2 inducible T cell kinase; plus strand). Cytogenetic location: 5q33.3.
Variant type: single nucleotide variant.
Coding change: c.1829G>A on transcript NM_005546.4 (MANE Select); coding-DNA position 1829, G replaced by A.
Protein change: p.Arg610His; replaces arginine 610 with histidine.
Molecular consequence: missense variant.
Genome position (GRCh38, 1-based): chr5:157,252,644, G>A. VCF-style: chr5-157252644-G-A. GRCh37 (hg19) VCF-style: chr5-156679654-G-A.
Other names: short protein forms R610H.
Identifiers: ClinVar variation 540359 (VCV000540359.8), dbSNP rs138438785, ClinGen allele CA3533225.

ClinVar aggregate classification (germline): Uncertain significance (1 of 4 stars; one submission).

Conditions:
Lymphoproliferative syndrome 1 (LPFS1). Identifiers: Orphanet 238505, Orphanet 538963, MedGen C3552634, MONDO:0013081, OMIM 613011.

Allele frequency attached by ClinVar (database versions not stated): gnomAD 0.00002 and 0.00003; gnomAD exomes 0.00004; ExAC 0.00005; TOPMed 0.00005; ESP Exome Variant Server 0.00015; 1000 Genomes Project 0.00020; 1000 Genomes Project 30x 0.00031.
gnomAD v4.1: 223 of 1,614,080 alleles (0.014%); highest among the groups gnomAD compares: Non-Finnish European, 0.017%; no homozygotes.

Submission:

Labcorp Genetics (formerly Invitae), Labcorp
Classification: Uncertain significance for Lymphoproliferative syndrome 1. Last evaluated: 2022-09-25. Review status: criteria provided, single submitter. Criteria: Invitae Variant Classification Sherloc (09022015). Collection method: clinical testing. Allele origin: germline.
Comment: This sequence change replaces arginine, which is basic and polar, with histidine, which is basic and polar, at codon 610 of the ITK protein (p.Arg610His). This variant is present in population databases (rs138438785, gnomAD 0.008%). This variant has not been reported in the literature in individuals affected with ITK-related conditions. ClinVar contains an entry for this variant (Variation ID: 540359). Advanced modeling of protein sequence and biophysical properties (such as structural, functional, and spatial information, amino acid conservation, physicochemical variation, residue mobility, and thermodynamic stability) performed at Invitae indicates that this missense variant is not expected to disrupt ITK protein function. In summary, the available evidence is currently insufficient to determine the role of this variant in disease. Therefore, it has been classified as a Variant of Uncertain Significance.